The following is an entry in ClinVar:

NM_007294.4(BRCA1):c.1319T>G (p.Leu440Ter)

Gene: BRCA1 (BRCA1 DNA repair associated; minus strand). Cytogenetic location: 17q21.31.
Variant type: single nucleotide variant.
Coding change: c.1319T>G on transcript NM_007294.4 (MANE Select); coding-DNA position 1319, T replaced by G.
Protein change: p.Leu440Ter; replaces leucine 440 with a stop codon.
Molecular consequence: nonsense. On other transcripts: intron variant (137).
Genome position (GRCh38, 1-based): chr17:43,094,212, A>C on the plus strand (T>G on the coding strand, the complement: BRCA1 is on the minus strand). VCF-style: chr17-43094212-A-C. GRCh37 (hg19) VCF-style: chr17-41246229-A-C.
Other names: c.1055T>G, p.Leu352Ter (NM_001407927.1, NM_001407928.1, NM_001407920.1 and 9 more transcripts); c.1196T>G, p.Leu399Ter (NM_001407939.1, NM_001407648.1, NM_001407664.1 and 19 more transcripts); c.1193T>G, p.Leu398Ter (NM_001407940.1, NM_001407941.1, NM_001407649.1 and 11 more transcripts); c.1178T>G, p.Leu393Ter (NM_001407942.1, NM_001407944.1, NM_001407945.1 and 29 more transcripts); c.1175T>G, p.Leu392Ter (NM_001407943.1, NM_001407964.1, NM_001407747.1 and 20 more transcripts); c.986T>G, p.Leu329Ter (NM_001407946.1, NM_001407947.1, NM_001407948.1 and 6 more transcripts); c.983T>G, p.Leu328Ter (NM_001407958.1, NM_001407954.1, NM_001407955.1 and 1 more transcripts); c.938T>G, p.Leu313Ter (NM_001407959.1, NM_001407960.1, NM_001407963.1); and 40 more; short protein forms L440*, L393*, L351*, L370*, L399*, L439*, L313*, L329*.
Identifiers: ClinVar variation 230733 (VCV000230733.6), dbSNP rs273897656, ClinGen allele CA10580671.

ClinVar aggregate classification (germline): Pathogenic. Review status: reviewed by expert panel (3 of 4 stars). 2 submissions from 2 submitters: Pathogenic (1). 1 of the submissions does not count toward it. Last evaluated 2017-12-15.

Conditions:
Hereditary cancer-predisposing syndrome. Also called: Tumor predisposition; Hereditary Cancer Syndrome; Neoplastic Syndromes, Hereditary; Hereditary neoplastic syndrome. Identifiers: Orphanet 140162, MedGen C0027672, MeSH D009386, MONDO:0015356.
Breast-ovarian cancer, familial, susceptibility to, 1 (BROVCA1). Also called: BRCA1 Hereditary Breast and Ovarian Cancer; OVARIAN CANCER, SUSCEPTIBILITY TO. Identifiers: Orphanet 145, MedGen C2676676, MONDO:0011450, OMIM 604370. Disease mechanism: loss of function.

Submissions (2):

Evidence-based Network for the Interpretation of Germline Mutant Alleles (ENIGMA)
Classification: Pathogenic for Breast-ovarian cancer, familial, susceptibility to, 1. Last evaluated: 2017-12-15. Review status: reviewed by expert panel. Criteria: ENIGMA BRCA1/2 Classification Criteria (2017-06-29). Collection method: curation. Allele origin: germline. Study: ENIGMA.
Comment: Variant allele predicted to encode a truncated non-functional protein.

Ambry Genetics
Classification: Pathogenic for Hereditary cancer-predisposing syndrome. Last evaluated: 2017-04-05. Review status: criteria provided, single submitter. Criteria: Ambry Variant Classification Scheme 2023. Collection method: clinical testing. Allele origin: germline. Not counted in ClinVar's aggregate classification.
Comment: The p.L440* pathogenic mutation (also known as c.1319T>G), located in coding exon 9 of the BRCA1 gene, results from a T to G substitution at nucleotide position 1319. This changes the amino acid from a leucine to a stop codon within coding exon 9. This alteration is expected to result in loss of function by premature protein truncation or nonsense-mediated mRNA decay. As such, this alteration is interpreted as a disease-causing mutation.